The following is an entry in ClinVar:

ClinVar aggregate classification (germline): Uncertain significance. Review status: criteria provided, multiple submitters, no conflicts (2 of 4 stars). 3 submissions from 3 submitters: Uncertain significance (3). Last evaluated 2025-08-11.

Conditions:
Cardiomyopathy (CMYO). Also called: Cardiomyopathies. Identifiers: Orphanet 167848, MedGen C0878544, MONDO:0004994, HP:0001638. Inheritance: Various modes of inheritance.
Arrhythmogenic right ventricular dysplasia 10. Also called: Arrhythmogenic right ventricular dysplasia/cardiomyopathy, type 10; Arrhythmogenic Right Ventricular Dysplasia/Cardiomyopathy10; ARRHYTHMOGENIC RIGHT VENTRICULAR DYSPLASIA, FAMILIAL, 10. Identifiers: MedGen C1857777, MONDO:0012434, OMIM 610193.
Cardiovascular phenotype. Identifiers: MedGen CN230736.

Allele frequency attached by ClinVar (database versions not stated): gnomAD 0.00001; TOPMed 0.00001.
gnomAD v4.1: 4 of 1,260,966 alleles (0.00032%); highest among the groups gnomAD compares: Non-Finnish European, 0.0004%; no homozygotes.

Submissions (3):

Color Diagnostics, LLC DBA Color Health
Classification: Uncertain significance for Cardiomyopathy. Last evaluated: 2025-08-11. Review status: criteria provided, single submitter. Criteria: ACMG Guidelines, 2015. Collection method: clinical testing. Allele origin: germline.
Comment: This missense variant replaces serine with arginine at codon 4 of the DSG2 protein. Computational prediction suggests that this variant may not impact protein structure and function. To our knowledge, functional studies have not been reported for this variant. This variant has not been reported in individuals affected with DSG2-related disorders in the literature. This variant has not been identified in the general population by the Genome Aggregation Database (gnomAD). The available evidence is insufficient to determine the role of this variant in disease conclusively. Therefore, this variant is classified as a Variant of Uncertain Significance.

Labcorp Genetics (formerly Invitae), Labcorp
Classification: Uncertain significance for Arrhythmogenic right ventricular dysplasia 10. Last evaluated: 2024-10-15. Review status: criteria provided, single submitter. Criteria: Invitae Variant Classification Sherloc (09022015). Collection method: clinical testing. Allele origin: germline.
Comment: This sequence change replaces serine, which is neutral and polar, with arginine, which is basic and polar, at codon 4 of the DSG2 protein (p.Ser4Arg). This variant is not present in population databases (gnomAD no frequency). This variant has not been reported in the literature in individuals affected with DSG2-related conditions. ClinVar contains an entry for this variant (Variation ID: 2183856). An algorithm developed to predict the effect of missense changes on protein structure and function outputs the following: PolyPhen-2: "Benign". The arginine amino acid residue is found in multiple mammalian species, which suggests that this missense change does not adversely affect protein function. In summary, the available evidence is currently insufficient to determine the role of this variant in disease. Therefore, it has been classified as a Variant of Uncertain Significance.

Ambry Genetics
Classification: Uncertain significance for Cardiovascular phenotype. Last evaluated: 2023-10-23. Review status: criteria provided, single submitter. Criteria: Ambry Variant Classification Scheme 2023. Collection method: clinical testing. Allele origin: germline.
Comment: The p.S4R variant (also known as c.10A>C), located in coding exon 1 of the DSG2 gene, results from an A to C substitution at nucleotide position 10. The serine at codon 4 is replaced by arginine, an amino acid with dissimilar properties. This amino acid position is conserved. In addition, this alteration is predicted to be tolerated by in silico analysis. Since supporting evidence is limited at this time, the clinical significance of this alteration remains unclear.

NM_001943.5(DSG2):c.10A>C (p.Ser4Arg)

Genes: DSG2 (desmoglein 2; plus strand), LOC130062340 (ATAC-STARR-seq lymphoblastoid silent region 9384; plus strand). Cytogenetic location: 18q12.1.
Variant type: single nucleotide variant.
Coding change: c.10A>C on transcript NM_001943.5 (MANE Select); coding-DNA position 10, A replaced by C.
Protein change: p.Ser4Arg; replaces serine 4 with arginine.
Molecular consequence: missense variant.
Genome position (GRCh38, 1-based): chr18:31,498,261, A>C. VCF-style: chr18-31498261-A-C. GRCh37 (hg19) VCF-style: chr18-29078224-A-C.
Other names: short protein forms S4R.
Identifiers: ClinVar variation 2183856 (VCV002183856.5), dbSNP rs1415117974, ClinGen allele CA402127548.